The following is an entry in ClinVar:

ClinVar aggregate classification (germline): Uncertain significance (1 of 4 stars; one submission).

Conditions:
Hereditary sensory and autonomic neuropathy type 7. Also called: Neuropathy, hereditary sensory and autonomic, type VII; HSAN VII. Identifiers: Orphanet 391397, MedGen C3809882, MONDO:0014244, OMIM 615548.
Familial episodic pain syndrome with predominantly lower limb involvement. Also called: Episodic pain syndrome, familial, 3. Identifiers: Orphanet 391384, Orphanet 391392, MedGen C3809899, MONDO:0014247, OMIM 615552.

Submission:

Labcorp Genetics (formerly Invitae), Labcorp
Classification: Uncertain significance for Familial episodic pain syndrome with predominantly lower limb involvement; Hereditary sensory and autonomic neuropathy type 7. Last evaluated: 2024-06-11. Review status: criteria provided, single submitter. Criteria: Invitae Variant Classification Sherloc (09022015). Collection method: clinical testing. Allele origin: germline.
Comment: This sequence change replaces glycine, which is neutral and non-polar, with arginine, which is basic and polar, at codon 1024 of the SCN11A protein (p.Gly1024Arg). This variant is not present in population databases (gnomAD no frequency). This variant has not been reported in the literature in individuals affected with SCN11A-related conditions. Algorithms developed to predict the effect of missense changes on protein structure and function output the following: SIFT: "Not Available"; PolyPhen-2: "Benign"; Align-GVGD: "Not Available". The arginine amino acid residue is found in multiple mammalian species, which suggests that this missense change does not adversely affect protein function. In summary, the available evidence is currently insufficient to determine the role of this variant in disease. Therefore, it has been classified as a Variant of Uncertain Significance.

NM_001349253.2(SCN11A):c.3070G>C (p.Gly1024Arg)

Gene: SCN11A (sodium voltage-gated channel alpha subunit 11; minus strand). Cytogenetic location: 3p22.2.
Variant type: single nucleotide variant.
Coding change: c.3070G>C on transcript NM_001349253.2 (MANE Select); coding-DNA position 3070, G replaced by C.
Protein change: p.Gly1024Arg; replaces glycine 1024 with arginine.
Molecular consequence: missense variant.
Genome position (GRCh38, 1-based): chr3:38,883,382, C>G on the plus strand (G>C on the coding strand, the complement: SCN11A is on the minus strand). VCF-style: chr3-38883382-C-G. GRCh37 (hg19) VCF-style: chr3-38924873-C-G.
Other names: c.3070G>C, p.Gly1024Arg (NM_014139.3); short protein forms G1024R.
Identifiers: ClinVar variation 3756492 (VCV003756492.2).
Genomic context (GRCh38, chr3:38,883,382, plus strand): 5'-TCCACCAAATGACCCAGGGAGGCTTTCTCTTGTCCACGCTACAGCATGGAAAGCAGCAAC[C>G]AAAGCCTGAAAGGAATTAATGGTAGCACTATCATTAGTGTCTGTAATAAACTGCATTAAA-3'
Protein context (NP_001336182.1, residues 1014-1034): QPERCLPKGF[Gly1024Arg]CCFPCCSVDK